The following is an entry in ClinVar:

ClinVar aggregate classification (germline): Uncertain significance (1 of 4 stars; one submission).

Conditions:
Dystonic disorder. Also called: Dystonia. Identifiers: MedGen C0013421, MONDO:0003441, HP:0001332.

Allele frequency attached by ClinVar (database versions not stated): gnomAD exomes 0.00001; ExAC 0.00002; TOPMed 0.00002; gnomAD 0.00003.
gnomAD v4.1: 13 of 1,609,142 alleles (0.00081%); highest among the groups gnomAD compares: African/African-American, 0.008%; no homozygotes.

Submission:

Labcorp Genetics (formerly Invitae), Labcorp
Classification: Uncertain significance for Dystonic disorder. Last evaluated: 2023-08-31. Review status: criteria provided, single submitter. Criteria: Invitae Variant Classification Sherloc (09022015). Collection method: clinical testing. Allele origin: germline.
Comment: In summary, the available evidence is currently insufficient to determine the role of this variant in disease. Therefore, it has been classified as a Variant of Uncertain Significance. An algorithm developed to predict the effect of missense changes on protein structure and function (PolyPhen-2) suggests that this variant is likely to be disruptive. This variant has not been reported in the literature in individuals affected with CIZ1-related conditions. This variant is present in population databases (rs754102259, gnomAD 0.004%). This sequence change replaces arginine, which is basic and polar, with histidine, which is basic and polar, at codon 654 of the CIZ1 protein (p.Arg654His).

NM_001131016.2(CIZ1):c.1961G>A (p.Arg654His)

Gene: CIZ1 (CDKN1A interacting zinc finger protein 1; minus strand). Cytogenetic location: 9q34.11.
Variant type: single nucleotide variant.
Coding change: c.1961G>A on transcript NM_001131016.2 (MANE Select); coding-DNA position 1961, G replaced by A.
Protein change: p.Arg654His; replaces arginine 654 with histidine.
Molecular consequence: missense variant.
Genome position (GRCh38, 1-based): chr9:128,170,090, C>T on the plus strand (G>A on the coding strand, the complement: CIZ1 is on the minus strand). VCF-style: chr9-128170090-C-T. GRCh37 (hg19) VCF-style: chr9-130932369-C-T.
Other names: c.1793G>A, p.Arg598His (NM_001131015.2); c.1778G>A, p.Arg593His (NM_001131017.2); c.1721G>A, p.Arg574His (NM_001131018.2); c.2051G>A, p.Arg684His (NM_001257975.2); c.1658G>A, p.Arg553His (NM_001257976.2); c.1961G>A, p.Arg654His (NM_012127.3); short protein forms R553H, R684H, R593H, R598H, R574H, R654H.
Identifiers: ClinVar variation 2910059 (VCV002910059.3), dbSNP rs754102259, ClinGen allele CA5257169.